The following is an entry in ClinVar:

ClinVar aggregate classification (germline): Conflicting classifications of pathogenicity. Review status: criteria provided, conflicting classifications (1 of 4 stars). 4 submissions from 4 submitters: Uncertain significance (3); Likely benign (1). Last evaluated 2022-08-16.

Conditions:
Inborn genetic diseases. Identifiers: MedGen C0950123, MeSH D030342.

Allele frequency attached by ClinVar (database versions not stated): TOPMed 0.00007; gnomAD 0.00008 and 0.00009; gnomAD exomes 0.00009; ExAC 0.00012; ESP Exome Variant Server 0.00031.
gnomAD v4.1: 126 of 1,613,960 alleles (0.0078%); highest among the groups gnomAD compares: East Asian, 0.011%; no homozygotes.

Submissions (4):

Labcorp Genetics (formerly Invitae), Labcorp
Classification: Uncertain significance. Last evaluated: 2022-08-16. Review status: criteria provided, single submitter. Criteria: Invitae Variant Classification Sherloc (09022015). Collection method: clinical testing. Allele origin: germline.
Comment: This sequence change replaces arginine, which is basic and polar, with cysteine, which is neutral and slightly polar, at codon 36 of the COX15 protein (p.Arg36Cys). This variant is present in population databases (rs151116399, gnomAD 0.03%). This variant has not been reported in the literature in individuals affected with COX15-related conditions. ClinVar contains an entry for this variant (Variation ID: 214253). Algorithms developed to predict the effect of missense changes on protein structure and function output the following: SIFT: "Not Available"; PolyPhen-2: "Possibly Damaging"; Align-GVGD: "Not Available". The cysteine amino acid residue is found in multiple mammalian species, which suggests that this missense change does not adversely affect protein function. In summary, the available evidence is currently insufficient to determine the role of this variant in disease. Therefore, it has been classified as a Variant of Uncertain Significance.

CeGaT Center for Human Genetics Tuebingen
Classification: Uncertain significance. Last evaluated: 2022-08-01. Review status: criteria provided, single submitter. Criteria: CeGaT Center For Human Genetics Tuebingen Variant Classification Criteria Version 2. Collection method: clinical testing. Allele origin: germline. Affected: yes. Observed: 1 variant allele.
Comment: COX15: PM2:Supporting, BP4

Ambry Genetics
Classification: Uncertain significance for Inborn genetic diseases. Last evaluated: 2021-08-02. Review status: criteria provided, single submitter. Criteria: Ambry Variant Classification Scheme 2023. Collection method: clinical testing. Allele origin: germline.

GeneDx
Classification: Likely benign. Last evaluated: 2015-01-09. Review status: criteria provided, single submitter. Criteria: GeneDx Variant Classification (06012015). Collection method: clinical testing. Allele origin: germline. Affected: yes.
Comment: This variant is considered likely benign or benign based on one or more of the following criteria: it is a conservative change, it occurs at a poorly conserved position in the protein, it is predicted to be benign by multiple in silico algorithms, and/or has population frequency not consistent with disease.

NM_078470.6(COX15):c.106C>T (p.Arg36Cys)

Gene: COX15 (cytochrome c oxidase assembly factor COX15; minus strand). Cytogenetic location: 10q24.2.
Variant type: single nucleotide variant.
Coding change: c.106C>T on transcript NM_078470.6 (MANE Select); coding-DNA position 106, C replaced by T.
Protein change: p.Arg36Cys; replaces arginine 36 with cysteine.
Molecular consequence: missense variant. On other transcripts: 5 prime UTR variant (1), non-coding transcript variant (1).
Genome position (GRCh38, 1-based): chr10:99,729,719, G>A on the plus strand (C>T on the coding strand, the complement: COX15 is on the minus strand). VCF-style: chr10-99729719-G-A. GRCh37 (hg19) VCF-style: chr10-101489476-G-A.
Other names: p.R36C:CGC>TGC; c.106C>T, p.Arg36Cys (NM_001320974.2, NM_001320975.2, NM_001372024.1 and 5 more transcripts); c.-349C>T (NM_001320976.2); short protein forms R36C.
Identifiers: ClinVar variation 214253 (VCV000214253.38), dbSNP rs151116399, ClinGen allele CA322881.